The following is an entry in ClinVar:

ClinVar aggregate classification (germline): Uncertain significance (1 of 4 stars; one submission).

Allele frequency attached by ClinVar (database versions not stated): gnomAD exomes below 0.00001.
gnomAD v4.1: 2 of 1,610,824 alleles (0.00012%); highest among the groups gnomAD compares: Non-Finnish European, 0.00017%; no homozygotes.

Submission:

GeneDx
Classification: Uncertain significance. Last evaluated: 2026-09-12. Review status: criteria provided, single submitter. Criteria: GeneDx Variant Classification Process June 2021. Collection method: clinical testing. Allele origin: germline.
Comment: Not observed at significant frequency in large population cohorts (gnomAD); In silico analysis supports that this missense variant has a deleterious effect on protein structure/function; Has not been previously published as pathogenic or benign to our knowledge

NM_001134407.3(GRIN2A):c.1099A>G (p.Asn367Asp)

Gene: GRIN2A (glutamate ionotropic receptor NMDA type subunit 2A; minus strand). Cytogenetic location: 16p13.2.
Variant type: single nucleotide variant.
Coding change: c.1099A>G on transcript NM_001134407.3 (MANE Select); coding-DNA position 1099, A replaced by G.
Protein change: p.Asn367Asp; replaces asparagine 367 with aspartic acid.
Molecular consequence: missense variant.
Genome position (GRCh38, 1-based): chr16:9,891,009, T>C on the plus strand (A>G on the coding strand, the complement: GRIN2A is on the minus strand). VCF-style: chr16-9891009-T-C. GRCh37 (hg19) VCF-style: chr16-9984866-T-C.
Other names: c.1099A>G, p.Asn367Asp (NM_000833.5, NM_001134408.2); short protein forms N367D.
Identifiers: ClinVar variation 1329513 (VCV001329513.3), dbSNP rs2141481795, ClinGen allele CA394797422.
Genomic context (GRCh38, chr16:9,891,009, plus strand): 5'-TCCCTCCCCTGCATTCAGCACACAGAAGGATGCTCACCTTTTCCCATTCCCGGTCTTTGT[T>C]CAGCACAATCACCACCAGCCTGGGGTGCACCTGGTAGCCTTCCTCAGTGAAGGATAAGTC-3'
Protein context (NP_001127879.1, residues 357-377): VHPRLVVIVL[Asn367Asp]KDREWEKVGK